The following is an entry in ClinVar:

ClinVar aggregate classification (germline): Uncertain significance (1 of 4 stars; one submission).

Conditions:
Early-infantile DEE. Also called: Early infantile epileptic encephalopathy; Ohtahara syndrome; Early infantile epileptic encephalopathy with suppression bursts. Identifiers: Orphanet 1934, MedGen C0393706, MONDO:0800491.

Allele frequency attached by ClinVar (database versions not stated): gnomAD exomes below 0.00001.
gnomAD v4.1: 1 of 1,614,158 alleles (0.000062%); highest among the groups gnomAD compares: Non-Finnish European, 0.000085%; no homozygotes.

Submission:

Labcorp Genetics (formerly Invitae), Labcorp
Classification: Uncertain significance for Early-infantile DEE. Last evaluated: 2024-03-11. Review status: criteria provided, single submitter. Criteria: Invitae Variant Classification Sherloc (09022015). Collection method: clinical testing. Allele origin: germline.
Comment: This sequence change replaces aspartic acid, which is acidic and polar, with histidine, which is basic and polar, at codon 43 of the SCN1A protein (p.Asp43His). This variant is not present in population databases (gnomAD no frequency). This variant has not been reported in the literature in individuals affected with SCN1A-related conditions. ClinVar contains an entry for this variant (Variation ID: 2119658). Advanced modeling of protein sequence and biophysical properties (such as structural, functional, and spatial information, amino acid conservation, physicochemical variation, residue mobility, and thermodynamic stability) has been performed at Invitae for this missense variant, however the output from this modeling did not meet the statistical confidence thresholds required to predict the impact of this variant on SCN1A protein function. In summary, the available evidence is currently insufficient to determine the role of this variant in disease. Therefore, it has been classified as a Variant of Uncertain Significance.

NM_001165963.4(SCN1A):c.127G>C (p.Asp43His)

Gene: SCN1A (sodium voltage-gated channel alpha subunit 1; minus strand). Cytogenetic location: 2q24.3.
Variant type: single nucleotide variant.
Coding change: c.127G>C on transcript NM_001165963.4 (MANE Select); coding-DNA position 127, G replaced by C.
Protein change: p.Asp43His; replaces aspartic acid 43 with histidine.
Molecular consequence: missense variant. On other transcripts: 5 prime UTR variant (1), non-coding transcript variant (1).
Genome position (GRCh38, 1-based): chr2:166,073,495, C>G on the plus strand (G>C on the coding strand, the complement: SCN1A is on the minus strand). VCF-style: chr2-166073495-C-G. GRCh37 (hg19) VCF-style: chr2-166930005-C-G.
Other names: c.127G>C, p.Asp43His (NM_001165964.3, NM_001202435.3, NM_001353948.2 and 10 more transcripts); c.-2299G>C (NM_001353961.2); short protein forms D43H.
Identifiers: ClinVar variation 2119658 (VCV002119658.4), dbSNP rs2468366239, ClinGen allele CA349243124.